The following is an entry in ClinVar:

ClinVar aggregate classification (germline): Uncertain significance (0 of 4 stars; one submission).

Allele frequency attached by ClinVar (database versions not stated): gnomAD exomes 0.00001 and below 0.00001; ExAC 0.00001.
gnomAD v4.1: 3 of 1,613,504 alleles (0.00019%); highest among the groups gnomAD compares: East Asian, 0.0045%; no homozygotes.

Submission:

Richard Lifton Laboratory, Yale University School of Medicine
Classification: Uncertain significance. Review status: no assertion criteria provided. Collection method: not provided. Allele origin: somatic.
Comment: ATP6V1C2
ClinVar note: Converted during submission from unknown to Uncertain significance.

NM_001039362.2(ATP6V1C2):c.847A>G (p.Lys283Glu)

Gene: ATP6V1C2 (ATPase H+ transporting V1 subunit C2; plus strand). Cytogenetic location: 2p25.1.
Variant type: single nucleotide variant.
Coding change: c.847A>G on transcript NM_001039362.2 (MANE Select); coding-DNA position 847, A replaced by G.
Protein change: p.Lys283Glu; replaces lysine 283 with glutamic acid.
Molecular consequence: missense variant. On other transcripts: intron variant (1).
Genome position (GRCh38, 1-based): chr2:10,777,606, A>G. VCF-style: chr2-10777606-A-G. GRCh37 (hg19) VCF-style: chr2-10917732-A-G.
Other names: c.826-966A>G (NM_144583.4); short protein forms K283E.
Identifiers: ClinVar variation 91925 (VCV000091925.2), dbSNP rs386352282, ClinGen allele CA232173.